The following is an entry in ClinVar:

ClinVar aggregate classification (germline): Uncertain significance. Review status: criteria provided, multiple submitters, no conflicts (2 of 4 stars). 2 submissions from 2 submitters: Uncertain significance (2). Last evaluated 2025-12-07.

Conditions:
Arginine:glycine amidinotransferase deficiency (CCDS3). Also called: Cerebral creatine deficiency syndrome 3; L-Arginine:Glycine Amidinotransferase (AGAT) Deficiency; AGAT deficiency; L-Arginine:Glycine Amidinotransferase Deficiency; Creatine deficiency syndrome due to AGAT deficiency; GATM deficiency. Identifiers: Orphanet 35704, MedGen C2675179, MONDO:0012996, OMIM 612718.
Fanconi renotubular syndrome 1. Also called: Toni-Debre-Fanconi syndrome; Neonatal De Toni-Debre-Fanconi syndrome; De Toni-Fanconi syndrome; LUDER-SHELDON SYNDROME; FRTS1. Identifiers: MedGen C4551503, MONDO:0024525, OMIM 134600.

Submissions (2):

Labcorp Genetics (formerly Invitae), Labcorp
Classification: Uncertain significance for Arginine:glycine amidinotransferase deficiency. Last evaluated: 2025-12-07. Review status: criteria provided, single submitter. Criteria: Invitae Variant Classification Sherloc (09022015). Collection method: clinical testing. Allele origin: germline.
Comment: This sequence change replaces alanine, which is neutral and non-polar, with aspartic acid, which is acidic and polar, at codon 56 of the GATM protein (p.Ala56Asp). This variant is present in population databases (rs752102323, gnomAD 0.02%). This variant has not been reported in the literature in individuals affected with GATM-related conditions. ClinVar contains an entry for this variant (Variation ID: 2054525). Invitae Evidence Modeling of protein sequence and biophysical properties (such as structural, functional, and spatial information, amino acid conservation, physicochemical variation, residue mobility, and thermodynamic stability) indicates that this missense variant is not expected to disrupt GATM protein function with a negative predictive value of 95%. In summary, the available evidence is currently insufficient to determine the role of this variant in disease. Therefore, it has been classified as a Variant of Uncertain Significance.

Fulgent Genetics
Classification: Uncertain significance for Fanconi renotubular syndrome 1; Arginine:glycine amidinotransferase deficiency. Last evaluated: 2024-01-09. Review status: criteria provided, single submitter. Criteria: ACMG Guidelines, 2015. Collection method: clinical testing. Allele origin: germline.

NM_001482.3(GATM):c.167C>A (p.Ala56Asp)

Gene: GATM (glycine amidinotransferase; minus strand). Cytogenetic location: 15q21.1.
Variant type: single nucleotide variant.
Coding change: c.167C>A on transcript NM_001482.3 (MANE Select); coding-DNA position 167, C replaced by A.
Protein change: p.Ala56Asp; replaces alanine 56 with aspartic acid.
Molecular consequence: missense variant. On other transcripts: 5 prime UTR variant (1).
Genome position (GRCh38, 1-based): chr15:45,376,722, G>T on the plus strand (C>A on the coding strand, the complement: GATM is on the minus strand). VCF-style: chr15-45376722-G-T. GRCh37 (hg19) VCF-style: chr15-45668920-G-T.
Other names: c.-221C>A (NM_001321015.2); short protein forms A56D.
Identifiers: ClinVar variation 2054525 (VCV002054525.3), dbSNP rs752102323, ClinGen allele CA7542983.